The following is an entry in ClinVar:

ClinVar aggregate classification (germline): Uncertain significance. Review status: criteria provided, multiple submitters, no conflicts (2 of 4 stars). 2 submissions from 2 submitters: Uncertain significance (2). Last evaluated 2025-04-27.

Conditions:
Primary familial hypertrophic cardiomyopathy (HCM). Identifiers: Orphanet 99739, MedGen C0949658, MeSH D024741, MONDO:0024573. Inheritance: Various modes of inheritance.
Dilated cardiomyopathy 1AA (CMD1AA). Also called: CARDIOMYOPATHY, DILATED, 1AA, WITH OR WITHOUT LEFT VENTRICULAR NONCOMPACTION; CARDIOMYOPATHY, FAMILIAL HYPERTROPHIC, 23, WITH OR WITHOUT LEFT VENTRICULAR NONCOMPACTION; Cardiomyopathy, dilated, 1AA, with or without LVNC. Identifiers: Orphanet 154, MedGen C2677338, MONDO:0012808, OMIM 612158.
Cardiovascular phenotype. Identifiers: MedGen CN230736.

gnomAD v4.1: 1 of 1,614,172 alleles (0.000062%); no homozygotes.

Submissions (2):

Labcorp Genetics (formerly Invitae), Labcorp
Classification: Uncertain significance for Primary familial hypertrophic cardiomyopathy; Dilated cardiomyopathy 1AA. Last evaluated: 2025-04-27. Review status: criteria provided, single submitter. Criteria: Invitae Variant Classification Sherloc (09022015). Collection method: clinical testing. Allele origin: germline.
Comment: This sequence change replaces isoleucine, which is neutral and non-polar, with valine, which is neutral and non-polar, at codon 544 of the ACTN2 protein (p.Ile544Val). This variant is present in population databases (no rsID available, gnomAD no frequency). This variant has not been reported in the literature in individuals affected with ACTN2-related conditions. ClinVar contains an entry for this variant (Variation ID: 2946048). Invitae Evidence Modeling of protein sequence and biophysical properties (such as structural, functional, and spatial information, amino acid conservation, physicochemical variation, residue mobility, and thermodynamic stability) indicates that this missense variant is not expected to disrupt ACTN2 protein function with a negative predictive value of 80%. In summary, the available evidence is currently insufficient to determine the role of this variant in disease. Therefore, it has been classified as a Variant of Uncertain Significance.

Ambry Genetics
Classification: Uncertain significance for Cardiovascular phenotype. Last evaluated: 2023-11-11. Review status: criteria provided, single submitter. Criteria: Ambry Variant Classification Scheme 2023. Collection method: clinical testing. Allele origin: germline.
Comment: The p.I544V variant (also known as c.1630A>G), located in coding exon 14 of the ACTN2 gene, results from an A to G substitution at nucleotide position 1630. The isoleucine at codon 544 is replaced by valine, an amino acid with highly similar properties. This amino acid position is conserved. In addition, the in silico prediction for this alteration is inconclusive. Since supporting evidence is limited at this time, the clinical significance of this alteration remains unclear.

NM_001103.4(ACTN2):c.1630A>G (p.Ile544Val)

Gene: ACTN2 (actinin alpha 2; plus strand). Cytogenetic location: 1q43.
Variant type: single nucleotide variant.
Coding change: c.1630A>G on transcript NM_001103.4 (MANE Select); coding-DNA position 1630, A replaced by G.
Protein change: p.Ile544Val; replaces isoleucine 544 with valine.
Molecular consequence: missense variant. On other transcripts: non-coding transcript variant (1).
Genome position (GRCh38, 1-based): chr1:236,749,238, A>G. VCF-style: chr1-236749238-A-G. GRCh37 (hg19) VCF-style: chr1-236912538-A-G.
Other names: c.1630A>G (NM_001103.2); c.1630A>G, p.Ile544Val (NM_001278343.2); c.1006A>G, p.Ile336Val (NM_001278344.2); c.880A>G, p.Ile294Val (NM_001412150.1); short protein forms I294V, I544V, I336V.
Identifiers: ClinVar variation 2946048 (VCV002946048.4), dbSNP rs1439009491, ClinGen allele CA345385013.